The following continues an entry in ClinVar:

NM_000256.3(MYBPC3):c.1227-13G>A

Gene: MYBPC3. ClinVar aggregate classification (germline): Pathogenic/Likely pathogenic. Pathogenic (13); Likely pathogenic (3).

Submissions 10 to 16 of 16:

Genetics and Molecular Pathology, SA Pathology
Classification: Pathogenic for Hypertrophic cardiomyopathy. Last evaluated: 2023-01-17. Review status: criteria provided, single submitter. Criteria: ACMG Guidelines, 2015. Collection method: clinical testing. Allele origin: germline. Affected: yes.
Comment: The MYBPC3 c.1227-13G>A variant is classified as Pathogenic (PS4, PP1_Strong, PS3_Moderate, PM2) MYBPC3 c.1227-13G>A is located in intron 14/34 and is expected to create a strong cryptic splice site downstream of the canonical splice site. Functional studies confirm insertion of an 11bp fragment resulting in an aberrant protein with a shift in the reading frame and premature termination (PMID#12110947) (PS3_moderate). This is supported by multiple in-silico tools (PMID#28679633). This variant has been reported in at least 15 probands with a clinical presentation of Hypertrophic cardiomyopathy (12110947, 32451163, 28679633, 30775854, 28797094, 22857948, 23782526) (PS4) and is reported to co-segregate with disease in 7 affected family members in 2 families (PMID##12110947 and 32451163) (PP1_strong). The variant is reported in dbSNP (rs397515893), reported as disease causing in the HGMD database (CS21760), reported as pathogenic/likely pathogenic by other diagnostic laboratories (ClinVar#42513) and is rare in population databases (gnomAD allele frequency = 0.00065%; 1 het) (PM2).

Ambry Genetics
Classification: Pathogenic for Cardiovascular phenotype. Last evaluated: 2023-01-11. Review status: criteria provided, single submitter. Criteria: Ambry Variant Classification Scheme 2023. Collection method: clinical testing. Allele origin: germline.
Comment: The c.1227-13G>A intronic pathogenic mutation results from a G to A substitution 13 nucleotides upstream from coding exon 15 in the MYBPC3 gene. This nucleotide position is not well conserved in available vertebrate species. This variant has been detected in multiple individuals with hypertrophic cardiomyopathy (HCM) (Brito D et al. Rev Port Cardiol, 2012 Sep;31:577-87; N&uacute;&ntilde;ez L et al. Circ. J., 2013 Jun;77:2358-65; Page SP et al. Circ Cardiovasc Genet, 2012 Apr;5:156-66; Captur G et al. Circ Cardiovasc Genet, 2014 Jun;7:241-8; Hathaway J et al. BMC Cardiovasc Disord, 2021 Mar;21:126) This alteration has also been shown to co-segregate with HCM in families (J&auml;&auml;skel&auml;inen P et al. J. Mol. Med., 2002 Jul;80:412-22; Mendes de Almeida R et al. PLoS ONE, 2017 Aug;12:e0182946; Gomes AC et al. Rev Port Cardiol (Engl Ed), 2020 Apr;39:227.e1-227.e9). In silico splice site analysis predicts that this alteration may weaken the native splice acceptor site and will result in the creation or strengthening of a novel splice acceptor site. In one study, cDNA analysis reportedly showed use of an upstream cryptic acceptor splice site, causing a translational frameshift with a predicted alternate stop codon (J&auml;&auml;skel&auml;inen P et al. J. Mol. Med., 2002 Jul;80:412-22). This variant is considered to be rare based on population cohorts in the Genome Aggregation Database (gnomAD). Based on the supporting evidence, this alteration is interpreted as a disease-causing mutation.

Mendelics
Classification: Pathogenic for Hypertrophic cardiomyopathy 4. Last evaluated: 2022-05-04. Review status: criteria provided, single submitter. Criteria: Mendelics Assertion Criteria 2019. Collection method: clinical testing. Allele origin: germline.

Women's Health and Genetics/Laboratory Corporation of America, LabCorp
Classification: Pathogenic for Primary familial hypertrophic cardiomyopathy. Last evaluated: 2021-05-16. Review status: criteria provided, single submitter. Criteria: LabCorp Variant Classification Summary - May 2015. Collection method: clinical testing. Allele origin: germline.
Comment: Variant summary: MYBPC3 c.1227-13G>A alters a non-conserved nucleotide located close to a canonical splice site and therefore could affect mRNA splicing, leading to a significantly altered protein sequence. Several computational tools predict a significant impact on normal splicing: Four predict the variant abolishes the canonical 3' acceptor site. Four predict the variant creates a new 3' acceptor site eleven nucleotides upstream of the canonical 3' splice acceptor site. At least one publication reports experimental evidence that this variant affects mRNA splicing by inserting eleven intronic nucleotides following the cryptic splice site between exons 14 and 15 (Jaaskelainen_2002). The variant allele was found at a frequency of 1.2e-05 in 240844 control chromosomes. c.1227-13G>A has been reported in the literature in multiple individuals affected with Hypertrophic Cardiomyopathy and co-segregated with disease in multiple pedigrees (example, Brito_2012, Fokstuen_2014, Nunez_2013, Page_2012, Jaaskelainen_2002, Mendes de Almeida_2017, Gomes_2020). These data indicate that the variant is very likely to be associated with disease. Four clinical diagnostic laboratories have submitted clinical-significance assessments for this variant to ClinVar after 2014 without evidence for independent evaluation (Pathogenic, n=3; VUS, n=1). Based on the evidence outlined above, the variant was classified as pathogenic.

Molecular Diagnostic Laboratory for Inherited Cardiovascular Disease, Montreal Heart Institute
Classification: Likely pathogenic for Cardiovascular phenotype. Last evaluated: 2020-12-03. Review status: criteria provided, single submitter. Criteria: ACMG Guidelines, 2015. Collection method: clinical testing. Allele origin: germline. Affected: yes.

CHEO Genetics Diagnostic Laboratory, Children's Hospital of Eastern Ontario
Classification: Likely pathogenic for Cardiomyopathy. Last evaluated: 2020-04-21. Review status: criteria provided, single submitter. Criteria: ACMG Guidelines, 2015. Collection method: clinical testing. Allele origin: germline.

Laboratory for Molecular Medicine, Mass General Brigham Personalized Medicine
Classification: Pathogenic for Hypertrophic cardiomyopathy. Last evaluated: 2019-02-01. Review status: criteria provided, single submitter. Criteria: LMM Criteria. Collection method: clinical testing. Allele origin: germline. Inheritance: Autosomal dominant inheritance. Observed: 5 variant alleles.
Comment: The c.1227-13G>A variant in MYBPC3 has been reported in 5 individuals with hypertrophic cardiomyopathy (HCM) and segregated with disease in 3 affected individuals from 2 families (Jaaskelainen 2002, Mendes de Almeida 2017, NÃºÃ±ez 2013, LMM data). It has also been identified in 2/23872 Finnish chromosomes by gnomAD and has been reported in ClinVar (Variation ID: 42513). This variant is located in the 3' splice region. RNA analysis from peripheral blood obtained from an affected individual showed that this variant introduces a cryptic splice site leading to an insertion of 11 intronic nucleotides and subsequently a frameshift and premature termination 16 amino acids downstream (Jaaskelainen 2002). This alteration is then predicted to lead to a truncated or absent protein. Loss of function of the MYBPC3 gene is an established disease mechanism in autosomal dominant HCM. In summary, this variant meets criteria to be classified as pathogenic for autosomal dominant HCM. ACMG/AMP Criteria applied: PVS1, PM2_Supporting, PP1, PP3, PS4_Supporting.

Literature cited by the submitters: PubMed 12110947 (cited by 9 submitters); PubMed 23782526 (cited by 6 submitters); PubMed 28797094 (cited by 5 submitters); PubMed 22267749 (cited by 4 submitters); PubMed 22857948 (cited by 5 submitters); PubMed 24888384 (cited by Color Diagnostics, LLC DBA Color Health and Women's Health and Genetics/Laboratory Corporation of America, LabCorp); PubMed 32163302 (cited by Color Diagnostics, LLC DBA Color Health and Women's Health and Genetics/Laboratory Corporation of America, LabCorp); PubMed 32451163 (cited by 5 submitters); PubMed 33673806 (cited by 4 submitters); PubMed 35508642 (cited by Color Diagnostics, LLC DBA Color Health); PubMed 37178278 (cited by Color Diagnostics, LLC DBA Color Health); PubMed 19574547 (cited by All of Us Research Program, National Institutes of Health); PubMed 25611685 (cited by Molecular Genetics, Royal Melbourne Hospital and 3billion); PubMed 28679633 (cited by Molecular Genetics, Royal Melbourne Hospital and Genetics and Molecular Pathology, SA Pathology); PubMed 24704860 (cited by Ambry Genetics); PubMed 30775854 (cited by Ambry Genetics); PubMed 15000344 (cited by Women's Health and Genetics/Laboratory Corporation of America, LabCorp); PubMed 18273486 (cited by Women's Health and Genetics/Laboratory Corporation of America, LabCorp); PubMed 23590259 (cited by Women's Health and Genetics/Laboratory Corporation of America, LabCorp); PubMed 16141195 (cited by Women's Health and Genetics/Laboratory Corporation of America, LabCorp).